The following is an entry in ClinVar:

NM_001134407.3(GRIN2A):c.299T>C (p.Phe100Ser)

Gene: GRIN2A (glutamate ionotropic receptor NMDA type subunit 2A; minus strand). Cytogenetic location: 16p13.2.
Variant type: single nucleotide variant.
Coding change: c.299T>C on transcript NM_001134407.3 (MANE Select); coding-DNA position 299, T replaced by C.
Protein change: p.Phe100Ser; replaces phenylalanine 100 with serine.
Molecular consequence: missense variant.
Genome position (GRCh38, 1-based): chr16:10,180,113, A>G on the plus strand (T>C on the coding strand, the complement: GRIN2A is on the minus strand). VCF-style: chr16-10180113-A-G. GRCh37 (hg19) VCF-style: chr16-10273970-A-G.
Other names: c.299T>C, p.Phe100Ser (NM_000833.5, NM_001134408.2); short protein forms F100S.
Identifiers: ClinVar variation 3026580 (VCV003026580.22), dbSNP rs2142388689, ClinGen allele CA394715323.

ClinVar aggregate classification (germline): Uncertain significance (1 of 4 stars; one submission).

gnomAD v4.1: 1 of 1,614,190 alleles (0.000062%); highest among the groups gnomAD compares: Non-Finnish European, 0.000085%; no homozygotes.

Submission:

CeGaT Center for Human Genetics Tuebingen
Classification: Uncertain significance. Last evaluated: 2024-02-01. Review status: criteria provided, single submitter. Criteria: CeGaT Center For Human Genetics Tuebingen Variant Classification Criteria Version 2. Collection method: clinical testing. Allele origin: germline. Affected: yes. Observed: 1 variant allele.
Comment: GRIN2A: PM2, PP3